The following is an entry in ClinVar:

ClinVar aggregate classification (germline): Uncertain significance (1 of 4 stars; one submission).

Conditions:
Nephronophthisis. Also called: Juvenile Nephronophthisis. Identifiers: Orphanet 655, MedGen C0687120, MONDO:0019005, HP:0000090.

Allele frequency attached by ClinVar (database versions not stated): gnomAD exomes below 0.00001 and 0.00001; TOPMed below 0.00001; gnomAD 0.00001.

Submission:

Labcorp Genetics (formerly Invitae), Labcorp
Classification: Uncertain significance for Nephronophthisis. Last evaluated: 2025-10-13. Review status: criteria provided, single submitter. Criteria: Invitae Variant Classification Sherloc (09022015). Collection method: clinical testing. Allele origin: germline.
Comment: This sequence change replaces valine, which is neutral and non-polar, with alanine, which is neutral and non-polar, at codon 1227 of the NPHP3 protein (p.Val1227Ala). This variant is present in population databases (no rsID available, gnomAD 0.01%). This variant has not been reported in the literature in individuals affected with NPHP3-related conditions. ClinVar contains an entry for this variant (Variation ID: 953905). Invitae Evidence Modeling of protein sequence and biophysical properties (such as structural, functional, and spatial information, amino acid conservation, physicochemical variation, residue mobility, and thermodynamic stability) indicates that this missense variant is not expected to disrupt NPHP3 protein function with a negative predictive value of 80%. In summary, the available evidence is currently insufficient to determine the role of this variant in disease. Therefore, it has been classified as a Variant of Uncertain Significance.

NM_153240.5(NPHP3):c.3680T>C (p.Val1227Ala)

Genes: NPHP3 (nephrocystin 3; minus strand), NPHP3-ACAD11 (NPHP3-ACAD11 readthrough (NMD candidate); minus strand). Cytogenetic location: 3q22.1.
Variant type: single nucleotide variant.
Coding change: c.3680T>C on transcript NM_153240.5 (MANE Select); coding-DNA position 3680, T replaced by C.
Protein change: p.Val1227Ala; replaces valine 1227 with alanine.
Molecular consequence: missense variant. On other transcripts: non-coding transcript variant (1).
Genome position (GRCh38, 1-based): chr3:132,683,415, A>G on the plus strand (T>C on the coding strand, the complement: NPHP3 is on the minus strand). VCF-style: chr3-132683415-A-G. GRCh37 (hg19) VCF-style: chr3-132402259-A-G.
Other names: short protein forms V1227A.
Identifiers: ClinVar variation 953905 (VCV000953905.8), dbSNP rs1464247795, ClinGen allele CA354578469.
Genomic context (GRCh38, chr3:132,683,415, plus strand): 5'-CATAAAATCATTCACTGATACAACGTTAAAATATGGGAACTTACCATTTGGCTATAAAGA[A>G]CAGCTAAGTTCACCAAGGCAGTAGCTACACTAGGGTGCTTTGGGCCAAAAGATTTCTGTC-3'
Protein context (NP_694972.3, residues 1217-1237): SVATALVNLA[Val1227Ala]LYSQMKKHVE